The following is an entry in ClinVar:

NM_172201.2(KCNE2):c.221C>A (p.Ser74Tyr)

Genes: KCNE2 (potassium voltage-gated channel subfamily E regulatory subunit 2; plus strand), LOC105372791 (uncharacterized LOC105372791; minus strand). Cytogenetic location: 21q22.11.
Variant type: single nucleotide variant.
Coding change: c.221C>A on transcript NM_172201.2 (MANE Select); coding-DNA position 221, C replaced by A.
Protein change: p.Ser74Tyr; replaces serine 74 with tyrosine.
Molecular consequence: missense variant.
Genome position (GRCh38, 1-based): chr21:34,370,699, C>A. VCF-style: chr21-34370699-C-A. GRCh37 (hg19) VCF-style: chr21-35742998-C-A.
Other names: short protein forms S74Y.
Identifiers: ClinVar variation 1005300 (VCV001005300.9), dbSNP rs1979545359, ClinGen allele CA410196716.

ClinVar aggregate classification (germline): Uncertain significance (1 of 4 stars; one submission).

Conditions:
Long QT syndrome 6 (LQT6). Identifiers: Orphanet 101016, Orphanet 768, MedGen C3150953, MONDO:0013370, OMIM 613693.

Submission:

Labcorp Genetics (formerly Invitae), Labcorp
Classification: Uncertain significance for Long QT syndrome 6. Last evaluated: 2020-08-02. Review status: criteria provided, single submitter. Criteria: Invitae Variant Classification Sherloc (09022015). Collection method: clinical testing. Allele origin: germline.
Comment: This sequence change replaces serine with tyrosine at codon 74 of the KCNE2 protein (p.Ser74Tyr). The serine residue is highly conserved and there is a large physicochemical difference between serine and tyrosine. This variant is not present in population databases (ExAC no frequency). This variant has been observed in individual(s) with clinical features of KCNE2-related disease (PMID: 28794082). Algorithms developed to predict the effect of missense changes on protein structure and function (SIFT, PolyPhen-2, Align-GVGD) all suggest that this variant is likely to be disruptive, but these predictions have not been confirmed by published functional studies and their clinical significance is uncertain. In summary, the available evidence is currently insufficient to determine the role of this variant in disease. Therefore, it has been classified as a Variant of Uncertain Significance.

Literature cited by the submitters: PubMed 28794082.